The following is an entry in ClinVar:

ClinVar aggregate classification (germline): Likely benign. Review status: criteria provided, single submitter (1 of 4 stars). 2 submissions from 2 submitters: Likely benign (1). 1 of the submissions does not count toward it. Last evaluated 2025-11-03.

Conditions:
ANK3-related disorder. Also called: ANK3-related condition.

Allele frequency attached by ClinVar (database versions not stated): ESP Exome Variant Server 0.00008; gnomAD exomes 0.00005; gnomAD 0.00006 and 0.00007; TOPMed 0.00006; ExAC 0.00007.
gnomAD v4.1: 70 of 1,613,848 alleles (0.0043%); highest among the groups gnomAD compares: Admixed American, 0.0083%; no homozygotes.

Submissions (2):

Labcorp Genetics (formerly Invitae), Labcorp
Classification: Likely benign. Last evaluated: 2025-11-03. Review status: criteria provided, single submitter. Criteria: Invitae Variant Classification Sherloc (09022015). Collection method: clinical testing. Allele origin: germline.

PreventionGenetics, part of Exact Sciences
Classification: Likely benign for ANK3-related condition. Last evaluated: 2019-05-01. Review status: no assertion criteria provided. Collection method: clinical testing. Allele origin: germline. Not counted in ClinVar's aggregate classification.
Comment: This variant is classified as likely benign based on ACMG/AMP sequence variant interpretation guidelines (Richards et al. 2015 PMID: 25741868, with internal and published modifications).

NM_020987.5(ANK3):c.9954C>T (p.Ser3318=)

Gene: ANK3 (ankyrin 3; minus strand). Cytogenetic location: 10q21.2.
Variant type: single nucleotide variant.
Coding change: c.9954C>T on transcript NM_020987.5 (MANE Select); coding-DNA position 9954, C replaced by T.
Protein change: p.Ser3318=; no amino-acid change (serine 3318 retained).
Molecular consequence: synonymous variant. On other transcripts: intron variant (4).
Genome position (GRCh38, 1-based): chr10:60,070,927, G>A on the plus strand (C>T on the coding strand, the complement: ANK3 is on the minus strand). VCF-style: chr10-60070927-G-A. GRCh37 (hg19) VCF-style: chr10-61830685-G-A.
Other names: c.4388-2918C>T (NM_001204403.2); c.4409-2918C>T (NM_001204404.2); c.4406-2918C>T (NM_001320874.2); c.1808-2918C>T (NM_001149.4); c.9954C>T (NM_020987.4).
Identifiers: ClinVar variation 1571063 (VCV001571063.10), dbSNP rs374022277, ClinGen allele CA5511309.